The following is an entry in ClinVar:

ClinVar aggregate classification (germline): Uncertain significance. Review status: criteria provided, multiple submitters, no conflicts (2 of 4 stars). 2 submissions from 2 submitters: Uncertain significance (2). Last evaluated 2024-08-13.

Conditions:
Malignant hyperthermia, susceptibility to, 1 (MHS1). Also called: RYR1-Related Malignant Hyperthermia Susceptibility; Anesthesia related hyperthermia; Malignant hyperpyrexia; Fulminating hyperpyrexia; Pharmacogenic myopathy; Malignant hyperthermia suceptibility 1. Identifiers: Orphanet 423, MedGen C2930980, MONDO:0007783, OMIM 145600.

Allele frequency attached by ClinVar (database versions not stated): gnomAD 0.00001; TOPMed 0.00001; ExAC 0.00002; ESP Exome Variant Server 0.00008.
gnomAD v4.1: 9 of 1,613,630 alleles (0.00056%); highest among the groups gnomAD compares: East Asian, 0.0022%; no homozygotes.

Submissions (2):

All of Us Research Program, National Institutes of Health
Classification: Uncertain significance for Malignant hyperthermia, susceptibility to, 1. Last evaluated: 2024-08-13. Review status: criteria provided, single submitter. Criteria: ACMG Guidelines, 2015. Collection method: clinical testing. Allele origin: germline. Inheritance: Autosomal dominant inheritance. Observed: 4 variant alleles, 4 heterozygotes.
Comment: This missense variant replaces threonine with methionine at codon 1745 of the RYR1 protein. Computational prediction suggests that this variant may not impact protein structure and function (internally defined REVEL score threshold <= 0.5, PMID: 27666373). To our knowledge, functional studies have not been reported for this variant. This variant has not been reported in individuals affected with RYR1-related disorders in the literature. This variant has been identified in 2/245478 chromosomes in the general population by the Genome Aggregation Database (gnomAD). The available evidence is insufficient to determine the role of this variant in disease conclusively. Therefore, this variant is classified as a Variant of Uncertain Significance.

This study involves interpretation of variants in research participants for the purpose of population health screening. Participant phenotype was not available at the time of variant classification. Additional details can be found in publication PMID: 35346344, PMCID: PMC8962531

Color Diagnostics, LLC DBA Color Health
Classification: Uncertain significance for Malignant hyperthermia, susceptibility to, 1. Last evaluated: 2024-03-06. Review status: criteria provided, single submitter. Criteria: ACMG Guidelines, 2015. Collection method: clinical testing. Allele origin: germline.
Comment: This missense variant replaces threonine with methionine at codon 1745 of the RYR1 protein. Computational prediction suggests that this variant may not impact protein structure and function. To our knowledge, functional studies have not been reported for this variant. This variant has not been reported in individuals affected with RYR1-related disorders in the literature. This variant has been identified in 2/245478 chromosomes in the general population by the Genome Aggregation Database (gnomAD). The available evidence is insufficient to determine the role of this variant in disease conclusively. Therefore, this variant is classified as a Variant of Uncertain Significance.

NM_000540.3(RYR1):c.5234C>T (p.Thr1745Met)

Gene: RYR1 (ryanodine receptor 1; plus strand). Cytogenetic location: 19q13.2.
Variant type: single nucleotide variant.
Coding change: c.5234C>T on transcript NM_000540.3 (MANE Select); coding-DNA position 5234, C replaced by T.
Protein change: p.Thr1745Met; replaces threonine 1745 with methionine.
Molecular consequence: missense variant.
Genome position (GRCh38, 1-based): chr19:38,485,889, C>T. VCF-style: chr19-38485889-C-T. GRCh37 (hg19) VCF-style: chr19-38976529-C-T.
Other names: c.5234C>T, p.Thr1745Met (NM_001042723.2); short protein forms T1745M.
Identifiers: ClinVar variation 3069251 (VCV003069251.3), dbSNP rs377476955, ClinGen allele CA066786.